The following is an entry in ClinVar:

ClinVar aggregate classification (germline): Likely benign (0 of 4 stars; one submission).

Conditions:
TRAPPC9-related disorder. Also called: TRAPPC9-related condition.

Allele frequency attached by ClinVar (database versions not stated): gnomAD 0.00001; gnomAD exomes 0.00001; TOPMed 0.00001.
gnomAD v4.1: 22 of 1,613,914 alleles (0.0014%); highest among the groups gnomAD compares: Admixed American, 0.005%; no homozygotes.

Submission:

PreventionGenetics, part of Exact Sciences
Classification: Likely benign for TRAPPC9-related condition. Last evaluated: 2023-07-07. Review status: no assertion criteria provided. Collection method: clinical testing. Allele origin: germline.
Comment: This variant is classified as likely benign based on ACMG/AMP sequence variant interpretation guidelines (Richards et al. 2015 PMID: 25741868, with internal and published modifications).

NM_001160372.4(TRAPPC9):c.252A>C (p.Thr84=)

Gene: TRAPPC9 (trafficking protein particle complex subunit 9; minus strand). Cytogenetic location: 8q24.3.
Variant type: single nucleotide variant.
Coding change: c.252A>C on transcript NM_001160372.4 (MANE Select); coding-DNA position 252, A replaced by C.
Protein change: p.Thr84=; no amino-acid change (threonine 84 retained).
Molecular consequence: synonymous variant. On other transcripts: non-coding transcript variant (1).
Genome position (GRCh38, 1-based): chr8:140,451,122, T>G on the plus strand (A>C on the coding strand, the complement: TRAPPC9 is on the minus strand). VCF-style: chr8-140451122-T-G. GRCh37 (hg19) VCF-style: chr8-141461221-T-G.
Other names: c.252A>C, p.Thr84= (NM_001321646.2, NM_001374682.1, NM_001374683.1 and 2 more transcripts).
Identifiers: ClinVar variation 3034219 (VCV003034219.2), dbSNP rs1259369085, ClinGen allele CA463221490.
Genomic context (GRCh38, chr8:140,451,122, plus strand): 5'-CTCCTTCTGCACGTGGAACTTCTCAAAGGTCTGTGGCCAGTCCTTGGCCGAGAAGCAGTC[T>G]GTGATGGTGATGAGGCCCACGACTTTGCGGTGGGTCTGGAAGTCACCCCACTCGTTGTTC-3'
Protein context (NP_001153844.1, residues 74-94): HRKVVGLITI[Thr84=]DCFSAKDWPQ